The following is an entry in ClinVar:

ClinVar aggregate classification (germline): Uncertain significance (1 of 4 stars; one submission).

Allele frequency attached by ClinVar (database versions not stated): TOPMed below 0.00001; ExAC 0.00001; ESP Exome Variant Server 0.00008.
gnomAD v4.1: 54 of 1,613,894 alleles (0.0033%); highest among the groups gnomAD compares: Non-Finnish European, 0.0042%; no homozygotes.

Submission:

Labcorp Genetics (formerly Invitae), Labcorp
Classification: Uncertain significance. Last evaluated: 2022-04-09. Review status: criteria provided, single submitter. Criteria: Invitae Variant Classification Sherloc (09022015). Collection method: clinical testing. Allele origin: germline.
Comment: This sequence change replaces isoleucine, which is neutral and non-polar, with phenylalanine, which is neutral and non-polar, at codon 394 of the INPPL1 protein (p.Ile394Phe). This variant is present in population databases (rs367563221, gnomAD 0.003%). This variant has not been reported in the literature in individuals affected with INPPL1-related conditions. Algorithms developed to predict the effect of missense changes on protein structure and function are either unavailable or do not agree on the potential impact of this missense change (SIFT: "Deleterious"; PolyPhen-2: "Possibly Damaging"; Align-GVGD: "Class C0"). In summary, the available evidence is currently insufficient to determine the role of this variant in disease. Therefore, it has been classified as a Variant of Uncertain Significance.

NM_001567.4(INPPL1):c.1180A>T (p.Ile394Phe)

Gene: INPPL1 (inositol polyphosphate phosphatase like 1; plus strand). Cytogenetic location: 11q13.4.
Variant type: single nucleotide variant.
Coding change: c.1180A>T on transcript NM_001567.4 (MANE Select); coding-DNA position 1180, A replaced by T.
Protein change: p.Ile394Phe; replaces isoleucine 394 with phenylalanine.
Molecular consequence: missense variant.
Genome position (GRCh38, 1-based): chr11:72,230,451, A>T. VCF-style: chr11-72230451-A-T. GRCh37 (hg19) VCF-style: chr11-71941495-A-T.
Other names: short protein forms I394F.
Identifiers: ClinVar variation 2059359 (VCV002059359.1), dbSNP rs367563221, ClinGen allele CA6169927.